The following is an entry in ClinVar:

NM_002335.4(LRP5):c.1675T>C (p.Tyr559His)

Gene: LRP5 (LDL receptor related protein 5; plus strand). Cytogenetic location: 11q13.2.
Variant type: single nucleotide variant.
Coding change: c.1675T>C on transcript NM_002335.4 (MANE Select); coding-DNA position 1675, T replaced by C.
Protein change: p.Tyr559His; replaces tyrosine 559 with histidine.
Molecular consequence: missense variant. On other transcripts: 5 prime UTR variant (1).
Genome position (GRCh38, 1-based): chr11:68,403,573, T>C. VCF-style: chr11-68403573-T-C. GRCh37 (hg19) VCF-style: chr11-68171041-T-C.
Other names: c.-263T>C (NM_001291902.2); short protein forms Y559H.
Identifiers: ClinVar variation 1506201 (VCV001506201.9), dbSNP rs2153162994, ClinGen allele CA381614273.

ClinVar aggregate classification (germline): Uncertain significance. Review status: criteria provided, multiple submitters, no conflicts (2 of 4 stars). 2 submissions from 2 submitters: Uncertain significance (2). Last evaluated 2022-03-31.

Conditions:
Autosomal dominant osteopetrosis 1 (OPTA1). Also called: OSTEOPETROSIS, AUTOSOMAL DOMINANT, TYPE I. Identifiers: Orphanet 2783, MedGen C1843330, MONDO:0011877, OMIM 607634.
Exudative vitreoretinopathy 1 (EVR1). Also called: CRISWICK-SCHEPENS SYNDROME; FEVR, AUTOSOMAL DOMINANT; Familial exudative vitreoretinopathy, autosomal dominant. Identifiers: Orphanet 891, Orphanet 90050, MedGen C1851402, MONDO:0007589, OMIM 133780.
Osteoporosis. Identifiers: MedGen C0029456, MONDO:0005298, OMIM 166710, HP:0000939.
Polycystic liver disease 4 with or without kidney cysts. Identifiers: MedGen C4693479, MONDO:0044327, OMIM 617875.
Exudative vitreoretinopathy 4 (EVR4). Identifiers: Orphanet 891, MedGen C1866176, MONDO:0011151, OMIM 601813.
Osteoporosis with pseudoglioma (OPPG). Also called: osteoporosis-pseudoglioma syndrome. Identifiers: Orphanet 2788, MedGen C0432252, MONDO:0009820, OMIM 259770.
Bone mineral density quantitative trait locus 1 (BMND1). Identifiers: MedGen C1866079, OMIM 601884.
Worth disease. Also called: Autosomal dominant osteosclerosis, Worth type; ENDOSTEAL HYPEROSTOSIS, AUTOSOMAL DOMINANT; OSTEOSCLEROSIS, AUTOSOMAL DOMINANT. Identifiers: Orphanet 2790, MedGen C0432273, MONDO:0007764, OMIM 144750.

Submissions (2):

Fulgent Genetics
Classification: Uncertain significance for Exudative vitreoretinopathy 1; Worth disease; Osteoporosis; Osteoporosis with pseudoglioma; Exudative vitreoretinopathy 4; Bone mineral density quantitative trait locus 1; Autosomal dominant osteopetrosis 1; Polycystic liver disease 4 with or without kidney cysts. Last evaluated: 2022-03-31. Review status: criteria provided, single submitter. Criteria: ACMG Guidelines, 2015. Collection method: clinical testing. Allele origin: unknown.

Labcorp Genetics (formerly Invitae), Labcorp
Classification: Uncertain significance. Last evaluated: 2022-02-24. Review status: criteria provided, single submitter. Criteria: Invitae Variant Classification Sherloc (09022015). Collection method: clinical testing. Allele origin: germline.
Comment: In summary, the available evidence is currently insufficient to determine the role of this variant in disease. Therefore, it has been classified as a Variant of Uncertain Significance. Advanced modeling of protein sequence and biophysical properties (such as structural, functional, and spatial information, amino acid conservation, physicochemical variation, residue mobility, and thermodynamic stability) performed at Invitae indicates that this missense variant is expected to disrupt LRP5 protein function. This variant has not been reported in the literature in individuals affected with LRP5-related conditions. This variant is not present in population databases (gnomAD no frequency). This sequence change replaces tyrosine, which is neutral and polar, with histidine, which is basic and polar, at codon 559 of the LRP5 protein (p.Tyr559His).